The following is an entry in ClinVar:

NM_001367624.2(ZNF469):c.9179T>G (p.Phe3060Cys)

Gene: ZNF469 (zinc finger protein 469; plus strand). Cytogenetic location: 16q24.2.
Variant type: single nucleotide variant.
Coding change: c.9179T>G on transcript NM_001367624.2 (MANE Select); coding-DNA position 9179, T replaced by G.
Protein change: p.Phe3060Cys; replaces phenylalanine 3060 with cysteine.
Molecular consequence: missense variant.
Genome position (GRCh38, 1-based): chr16:88,436,649, T>G. VCF-style: chr16-88436649-T-G. GRCh37 (hg19) VCF-style: chr16-88503057-T-G.
Other names: NM_001127464.1:c.9095T>G; short protein forms F3060C.
Identifiers: ClinVar variation 2449512 (VCV002449512.2), dbSNP rs1906599085, ClinGen allele CA397121156.

ClinVar aggregate classification (germline): Uncertain significance (1 of 4 stars; one submission).

Conditions:
Cardiovascular phenotype. Identifiers: MedGen CN230736.

Submission:

Ambry Genetics
Classification: Uncertain significance for Cardiovascular phenotype. Last evaluated: 2023-02-16. Review status: criteria provided, single submitter. Criteria: Ambry Variant Classification Scheme 2023. Collection method: clinical testing. Allele origin: germline.
Comment: The p.F3032C variant (also known as c.9095T>G), located in coding exon 2 of the ZNF469 gene, results from a T to G substitution at nucleotide position 9095. The phenylalanine at codon 3032 is replaced by cysteine, an amino acid with highly dissimilar properties. This amino acid position is conserved. In addition, this alteration is predicted to be tolerated by in silico analysis. Since supporting evidence is limited at this time, the clinical significance of this alteration remains unclear.